The following is an entry in ClinVar:

ClinVar aggregate classification (germline): Uncertain significance (1 of 4 stars; one submission).

Submission:

GeneDx
Classification: Uncertain significance. Last evaluated: 2025-05-05. Review status: criteria provided, single submitter. Criteria: GeneDx Variant Classification Process June 2021. Collection method: clinical testing. Allele origin: germline. Affected: yes.
Comment: Not observed at significant frequency in large population cohorts (gnomAD); In silico analysis suggests that this missense variant does not alter protein structure/function; Has not been previously published as pathogenic or benign to our knowledge

NM_006734.4(HIVEP2):c.6967G>A (p.Glu2323Lys)

Gene: HIVEP2 (HIVEP zinc finger 2; minus strand). Cytogenetic location: 6q24.2.
Variant type: single nucleotide variant.
Coding change: c.6967G>A on transcript NM_006734.4 (MANE Select); coding-DNA position 6967, G replaced by A.
Protein change: p.Glu2323Lys; replaces glutamic acid 2323 with lysine.
Molecular consequence: missense variant.
Genome position (GRCh38, 1-based): chr6:142,753,481, C>T on the plus strand (G>A on the coding strand, the complement: HIVEP2 is on the minus strand). VCF-style: chr6-142753481-C-T. GRCh37 (hg19) VCF-style: chr6-143074618-C-T.
Other names: c.6967G>A, p.Glu2323Lys (NM_001438449.1, NM_001438450.1, NM_001438451.1); short protein forms E2323K.
Identifiers: ClinVar variation 4528156 (VCV004528156.1).